The following is an entry in ClinVar:

ClinVar aggregate classification (germline): Uncertain significance. Review status: criteria provided, multiple submitters, no conflicts (2 of 4 stars). 4 submissions from 4 submitters: Uncertain significance (4). Last evaluated 2026-05-18.

Conditions:
Inborn genetic diseases. Identifiers: MedGen C0950123, MeSH D030342.
MYO3A-related disorder. Also called: MYO3A-related condition.

Allele frequency attached by ClinVar (database versions not stated): ExAC 0.00001; gnomAD 0.00001.
gnomAD v4.1: 16 of 1,612,808 alleles (0.00099%); highest among the groups gnomAD compares: African/African-American, 0.0013%; no homozygotes.

Submissions (4):

PreventionGenetics, part of Exact Sciences
Classification: Uncertain significance for MYO3A-related condition. Last evaluated: 2026-05-18. Review status: criteria provided, single submitter. Criteria: ACMG Guidelines, 2015. Collection method: clinical testing. Allele origin: germline.
Comment: The MYO3A c.2168A>G variant is predicted to result in the amino acid substitution p.Asn723Ser. To our knowledge, this variant has not been reported in the literature or in a large population database (gnomAD), indicating this variant is rare. At this time, the clinical significance of this variant is uncertain due to the absence of conclusive functional and genetic evidence.

Ambry Genetics
Classification: Uncertain significance for Inborn genetic diseases. Last evaluated: 2025-08-11. Review status: criteria provided, single submitter. Criteria: Ambry Variant Classification Scheme 2023. Collection method: clinical testing. Allele origin: germline.

GeneDx
Classification: Uncertain significance. Last evaluated: 2024-01-05. Review status: criteria provided, single submitter. Criteria: GeneDx Variant Classification Process June 2021. Collection method: clinical testing. Allele origin: germline. Affected: yes.
Comment: Not observed at significant frequency in large population cohorts (gnomAD); In silico analysis supports that this missense variant has a deleterious effect on protein structure/function; Has not been previously published as pathogenic or benign to our knowledge

Laboratory for Molecular Medicine, Mass General Brigham Personalized Medicine
Classification: Uncertain significance. Last evaluated: 2018-08-16. Review status: criteria provided, single submitter. Criteria: LMM Criteria. Collection method: clinical testing. Allele origin: germline. Observed: 2 variant alleles.
Comment: The p.Asn723Ser variant in MYO3A has not been previously reported in individuals with hearing loss. It has been identified in 1/66566 European chromosomes by th e Exome Aggregation Consortium (ExAC; dbSNP rs77 1154512); however, its frequency is not high enough to rule out a pathogenic rol e. Computational prediction tools and conservation analysis suggest that the p.A sn723Ser variant may impact the protein, though this information is not predicti ve enough to determine pathogenicity. In summary, the clinical significance of t he p.Asn723Ser variant is uncertain. ACMG/AMP Criteria applied: PP3, PM2.

NM_017433.5(MYO3A):c.2168A>G (p.Asn723Ser)

Gene: MYO3A (myosin IIIA; plus strand). Cytogenetic location: 10p12.1.
Variant type: single nucleotide variant.
Coding change: c.2168A>G on transcript NM_017433.5 (MANE Select); coding-DNA position 2168, A replaced by G.
Protein change: p.Asn723Ser; replaces asparagine 723 with serine.
Molecular consequence: missense variant.
Genome position (GRCh38, 1-based): chr10:26,128,444, A>G. VCF-style: chr10-26128444-A-G. GRCh37 (hg19) VCF-style: chr10-26417373-A-G.
Other names: short protein forms N723S.
Identifiers: ClinVar variation 517294 (VCV000517294.7), dbSNP rs771154512, ClinGen allele CA5444890.